The following is an entry in ClinVar:

ClinVar aggregate classification (germline): Conflicting classifications of pathogenicity. Review status: criteria provided, conflicting classifications (1 of 4 stars). 7 submissions from 7 submitters: Likely pathogenic (1); Uncertain significance (4). 2 of the submissions do not count toward it. Last evaluated 2026-06-11.

Conditions:
Multiple congenital anomalies/dysmorphic syndrome-intellectual disability. Identifiers: MONDO:0015159, Orphanet 102283, MedGen C5680372.
Tooth agenesis, selective, 4 (STHAG4). Also called: SUCCEDANEOUS TEETH, AGENESIS OF; TOOTH AGENESIS, SELECTIVE, 4, WITH OR WITHOUT ECTODERMAL DYSPLASIA; LATERAL INCISORS, ABSENCE OF; LATERAL INCISORS, PEGGED OR MISSING. Identifiers: Orphanet 99798, MedGen C1835492, MONDO:0007881, OMIM 150400. Disease mechanism: loss of function.
Odonto-onycho-dermal dysplasia. Identifiers: Orphanet 2721, MedGen C0796093, MONDO:0009773, OMIM 257980.
Schöpf-Schulz-Passarge syndrome. Also called: SchC6pf-Schulz-Passarge syndrome; KERATOSIS PALMOPLANTARIS WITH CYSTIC EYELIDS, HYPODONTIA, AND HYPOTRICHOSIS; ECCRINE TUMORS WITH ECTODERMAL DYSPLASIA. Identifiers: Orphanet 50944, MedGen C1857069, MONDO:0009145, OMIM 224750.
Stiff skin. Identifiers: MedGen C0241075, HP:0030053.
Palmoplantar keratoderma. Identifiers: MedGen C4551675, HP:0000982.
Arthralgia. Also called: Arthralgias; Joint pain; pain in joint. Identifiers: MedGen C0003862, HP:0002829.

Allele frequency attached by ClinVar (database versions not stated): TOPMed 0.00008; 1000 Genomes Project 30x 0.00016; 1000 Genomes Project 0.00020; ESP Exome Variant Server 0.00031.
gnomAD v4.1: 39 of 1,610,964 alleles (0.0024%); highest among the groups gnomAD compares: African/African-American, 0.021%; no homozygotes.

Submissions (7):

GeneDx
Classification: Uncertain significance. Last evaluated: 2026-06-11. Review status: criteria provided, single submitter. Criteria: GeneDx Variant Classification Process June 2021. Collection method: clinical testing. Allele origin: germline.
Comment: In silico analysis supports that this missense variant has a deleterious effect on protein structure/function; This variant is associated with the following publications: (PMID: 24449199)

Labcorp Genetics (formerly Invitae), Labcorp
Classification: Uncertain significance for Tooth agenesis, selective, 4; Odonto-onycho-dermal dysplasia. Last evaluated: 2024-06-05. Review status: criteria provided, single submitter. Criteria: Invitae Variant Classification Sherloc (09022015). Collection method: clinical testing. Allele origin: germline.
Comment: This sequence change replaces arginine, which is basic and polar, with cysteine, which is neutral and slightly polar, at codon 223 of the WNT10A protein (p.Arg223Cys). This variant is present in population databases (rs149245953, gnomAD 0.05%). This missense change has been observed in individual(s) with clinical features of odontoonychodermal dysplasia and/or oligodontia (PMID: 24449199; Invitae). ClinVar contains an entry for this variant (Variation ID: 373902). Advanced modeling of protein sequence and biophysical properties (such as structural, functional, and spatial information, amino acid conservation, physicochemical variation, residue mobility, and thermodynamic stability) performed at Invitae indicates that this missense variant is expected to disrupt WNT10A protein function with a positive predictive value of 80%. In summary, the available evidence is currently insufficient to determine the role of this variant in disease. Therefore, it has been classified as a Variant of Uncertain Significance.

AURAGEN, Plan France Médecine Génomique
Classification: Likely pathogenic for Multiple congenital anomalies/dysmorphic syndrome-intellectual disability. Last evaluated: 2022-02-18. Review status: criteria provided, single submitter. Criteria: PFMG2025 (Lancet Reg Health Eur. 2025). Collection method: clinical testing. Allele origin: germline. Affected: yes.

Blueprint Genetics
Classification: Uncertain significance. Last evaluated: 2021-03-31. Review status: criteria provided, single submitter. Criteria: ACMG Guidelines, 2015. Collection method: clinical testing. Allele origin: germline.

Juno Genomics, Hangzhou Juno Genomics, Inc
Classification: Uncertain significance for Tooth agenesis, selective, 4; Odonto-onycho-dermal dysplasia; Schöpf-Schulz-Passarge syndrome. Review status: criteria provided, single submitter. Criteria: ACMG Guidelines, 2015. Collection method: clinical testing. Allele origin: germline.
Comment: Absent from controls (or at extremely low frequency if recessive) in Genome Aggregation Database.;Multiple lines of computational evidence support a deleterious effect on the gene or gene product.;Patient's phenotype or family history is highly specific for a disease with a single genetic etiology.

Natera, Inc.
Classification: Uncertain significance for Schopf-Schulz-Passarge syndrome. Last evaluated: 2020-02-12. Review status: no assertion criteria provided. Collection method: clinical testing. Allele origin: germline. Not counted in ClinVar's aggregate classification.

Centre for Mendelian Genomics, University Medical Centre Ljubljana
Classification: Uncertain significance for Arthralgia; Palmoplantar keratoderma; Stiff skin. Last evaluated: 2016-06-08. Review status: no assertion criteria provided. Collection method: clinical testing. Allele origin: unknown. Affected: yes. Not counted in ClinVar's aggregate classification.

Literature cited by the submitters: PubMed 24449199 (cited by Labcorp Genetics (formerly Invitae), Labcorp).

NM_025216.3(WNT10A):c.667C>T (p.Arg223Cys)

Gene: WNT10A (Wnt family member 10A; plus strand). Cytogenetic location: 2q35.
Variant type: single nucleotide variant.
Coding change: c.667C>T on transcript NM_025216.3 (MANE Select); coding-DNA position 667, C replaced by T.
Protein change: p.Arg223Cys; replaces arginine 223 with cysteine.
Molecular consequence: missense variant.
Genome position (GRCh38, 1-based): chr2:218,890,274, C>T. VCF-style: chr2-218890274-C-T. GRCh37 (hg19) VCF-style: chr2-219754996-C-T.
Other names: short protein forms R223C.
Identifiers: ClinVar variation 373902 (VCV000373902.12), dbSNP rs149245953, ClinGen allele CA2113993.